The following is an entry in ClinVar:

ClinVar aggregate classification (germline): Likely pathogenic (1 of 4 stars; one submission).

Conditions:
NUP107-related disorder. Also called: NUP107-related condition.

Submission:

PreventionGenetics, part of Exact Sciences
Classification: Likely pathogenic for NUP107-related condition. Last evaluated: 2023-03-17. Review status: criteria provided, single submitter. Criteria: ACMG Guidelines, 2015. Collection method: clinical testing. Allele origin: germline.
Comment: The NUP107 c.1577-1G>T variant is predicted to disrupt the AG splice acceptor site and interfere with normal splicing. To our knowledge, this variant has not been reported in the literature or in a large population database, indicating this variant is rare. Variants that disrupt the consensus splice acceptor site in NUP107 are expected to be pathogenic. This variant is interpreted as likely pathogenic.

NM_020401.4(NUP107):c.1577-1G>T

Gene: NUP107 (nucleoporin 107; plus strand). Cytogenetic location: 12q15.
Variant type: single nucleotide variant.
Coding change: c.1577-1G>T on transcript NM_020401.4 (MANE Select); the canonical splice acceptor site of the intron before coding-DNA position 1577, G replaced by T.
Molecular consequence: splice acceptor variant.
Genome position (GRCh38, 1-based): chr12:68,726,498, G>T. VCF-style: chr12-68726498-G-T. GRCh37 (hg19) VCF-style: chr12-69120278-G-T.
Other names: c.1490-1G>T (NM_001330192.2).
Identifiers: ClinVar variation 2633527 (VCV002633527.1), dbSNP rs2498970944, ClinGen allele CA385696564.
Genomic context (GRCh38, chr12:68,726,498, plus strand): 5'-TGTTTATTTTTTTCTTTTGATTTTATTCCTATTGTTGAATCTTCACTTTGATGGCTTGTA[G>T]GTTTGATGGATGAGTTTAGCAAATGGCTTTCCAAAAGCAGAAACAATCTACCTGGACACC-3'